The following is an entry in ClinVar:

ClinVar aggregate classification (germline): Likely benign (1 of 4 stars; one submission).

Submission:

CeGaT Center for Human Genetics Tuebingen
Classification: Likely benign. Last evaluated: 2023-09-01. Review status: criteria provided, single submitter. Criteria: CeGaT Center For Human Genetics Tuebingen Variant Classification Criteria Version 2. Collection method: clinical testing. Allele origin: germline. Affected: yes. Observed: 1 variant allele.
Comment: CHD1: PM2:Supporting, BP4, BP7

NM_001270.4(CHD1):c.456T>C (p.Ser152=)

Gene: CHD1 (chromodomain helicase DNA binding protein 1; minus strand). Cytogenetic location: 5q21.1.
Variant type: single nucleotide variant.
Coding change: c.456T>C on transcript NM_001270.4 (MANE Select); coding-DNA position 456, T replaced by C.
Protein change: p.Ser152=; no amino-acid change (serine 152 retained).
Molecular consequence: synonymous variant. On other transcripts: non-coding transcript variant (2).
Genome position (GRCh38, 1-based): chr5:98,901,317, A>G on the plus strand (T>C on the coding strand, the complement: CHD1 is on the minus strand). VCF-style: chr5-98901317-A-G. GRCh37 (hg19) VCF-style: chr5-98237021-A-G.
Other names: c.456T>C, p.Ser152= (NM_001364113.3, NM_001376194.2).
Identifiers: ClinVar variation 2655621 (VCV002655621.24), dbSNP rs2479720495, ClinGen allele CA445721947.